The following is an entry in ClinVar:

ClinVar aggregate classification (germline): Benign. Review status: criteria provided, multiple submitters, no conflicts (2 of 4 stars). 2 submissions from 2 submitters: Benign (2). Last evaluated 2018-06-14.

Allele frequency attached by ClinVar (database versions not stated): 1000 Genomes Project 0.86681; 1000 Genomes Project 30x 0.87102; gnomAD 0.87383 and 0.87546; TOPMed 0.87586.
gnomAD v4.1: 132,903 of 152,214 alleles (87%); highest among the groups gnomAD compares: African/African-American, 91%; 58,156 homozygotes.

Submissions (2):

GeneDx
Classification: Benign. Last evaluated: 2018-06-14. Review status: criteria provided, single submitter. Criteria: GeneDx Variant Classification (06012015). Collection method: clinical testing. Allele origin: germline. Affected: yes.
Comment: This variant is considered likely benign or benign based on one or more of the following criteria: it is a conservative change, it occurs at a poorly conserved position in the protein, it is predicted to be benign by multiple in silico algorithms, and/or has population frequency not consistent with disease.

Breakthrough Genomics
Classification: Benign. Review status: criteria provided, single submitter. Criteria: ACMG Guidelines, 2015. Collection method: not provided. Allele origin: germline. Inheritance: Autosomal dominant inheritance. Affected: yes.

NM_003036.4(SKI):c.970-166A>G

Gene: SKI (SKI proto-oncogene; plus strand). Cytogenetic location: 1p36.32.
Variant type: single nucleotide variant.
Coding change: c.970-166A>G on transcript NM_003036.4 (MANE Select); 166 bases into the intron before coding-DNA position 970, A replaced by G.
Molecular consequence: intron variant.
Genome position (GRCh38, 1-based): chr1:2,302,812, A>G. VCF-style: chr1-2302812-A-G. GRCh37 (hg19) VCF-style: chr1-2234251-A-G.
Identifiers: ClinVar variation 672361 (VCV000672361.2), dbSNP rs1496555, ClinGen allele CA10917938.
Genomic context (GRCh38, chr1:2,302,812, plus strand): 5'-TCCCTCAGCACAGCCTCCACGTGCCTGTTGCGCGTGGCCTAAGGGCCTTTATGCAAAGTG[A>G]ACTTGGTCTCCTGGGGGGTGCCCTGGAATCTGCCTTCTGCGCCACTCAGGGTCGTTTGTG-3'